The following is an entry in ClinVar:

NM_145698.5(ACBD5):c.1085T>C (p.Val362Ala)

Gene: ACBD5 (acyl-CoA binding domain containing 5; minus strand). Cytogenetic location: 10p12.1.
Variant type: single nucleotide variant.
Coding change: c.1085T>C on transcript NM_145698.5 (MANE Select); coding-DNA position 1085, T replaced by C.
Protein change: p.Val362Ala; replaces valine 362 with alanine.
Molecular consequence: missense variant.
Genome position (GRCh38, 1-based): chr10:27,210,933, A>G on the plus strand (T>C on the coding strand, the complement: ACBD5 is on the minus strand). VCF-style: chr10-27210933-A-G. GRCh37 (hg19) VCF-style: chr10-27499862-A-G.
Other names: c.980T>C, p.Val327Ala (NM_001042473.4, NM_001352577.2, NM_001352578.2 and 1 more transcripts); c.1079T>C, p.Val360Ala (NM_001271512.3); c.758T>C, p.Val253Ala (NM_001301251.2, NM_001301252.2, NM_001301253.2 and 2 more transcripts); c.554T>C, p.Val185Ala (NM_001301254.2); c.1139T>C, p.Val380Ala (NM_001352568.1); c.1118T>C, p.Val373Ala (NM_001352569.1); c.1085T>C, p.Val362Ala (NM_001352570.1); c.1112T>C, p.Val371Ala (NM_001352571.1); and 11 more; short protein forms V305A, V369A, V185A, V259A, V264A, V292A, V294A, V309A.
Identifiers: ClinVar variation 3007231 (VCV003007231.4), dbSNP rs1197576459, ClinGen allele CA376373923.

ClinVar aggregate classification (germline): Uncertain significance. Review status: criteria provided, multiple submitters, no conflicts (2 of 4 stars). 2 submissions from 2 submitters: Uncertain significance (2). Last evaluated 2025-04-29.

Conditions:
Inborn genetic diseases. Identifiers: MedGen C0950123, MeSH D030342.

Allele frequency attached by ClinVar (database versions not stated): gnomAD exomes below 0.00001.
gnomAD v4.1: 3 of 1,614,032 alleles (0.00019%); highest among the groups gnomAD compares: South Asian, 0.0011%; no homozygotes.

Submissions (2):

Ambry Genetics
Classification: Uncertain significance for Inborn genetic diseases. Last evaluated: 2025-04-29. Review status: criteria provided, single submitter. Criteria: Ambry Variant Classification Scheme 2023. Collection method: clinical testing. Allele origin: germline.

Labcorp Genetics (formerly Invitae), Labcorp
Classification: Uncertain significance. Last evaluated: 2024-01-10. Review status: criteria provided, single submitter. Criteria: Invitae Variant Classification Sherloc (09022015). Collection method: clinical testing. Allele origin: germline.
Comment: This sequence change replaces valine, which is neutral and non-polar, with alanine, which is neutral and non-polar, at codon 362 of the ACBD5 protein (p.Val362Ala). This variant is present in population databases (no rsID available, gnomAD 0.0009%). This variant has not been reported in the literature in individuals affected with ACBD5-related conditions. Advanced modeling of protein sequence and biophysical properties (such as structural, functional, and spatial information, amino acid conservation, physicochemical variation, residue mobility, and thermodynamic stability) performed at Invitae indicates that this missense variant is not expected to disrupt ACBD5 protein function with a negative predictive value of 80%. In summary, the available evidence is currently insufficient to determine the role of this variant in disease. Therefore, it has been classified as a Variant of Uncertain Significance.